The following is an entry in ClinVar:

ClinVar aggregate classification (germline): Uncertain significance. Review status: criteria provided, multiple submitters, no conflicts (2 of 4 stars). 2 submissions from 2 submitters: Uncertain significance (2). Last evaluated 2024-04-22.

Conditions:
Autosomal recessive limb-girdle muscular dystrophy type 2K. Also called: MUSCULAR DYSTROPHY-DYSTROGLYCANOPATHY (LIMB-GIRDLE), TYPE C, 1; MUSCULAR DYSTROPHY, LIMB-GIRDLE, TYPE 2K. Identifiers: Orphanet 86812, MedGen C1836373, MONDO:0012248, OMIM 609308.
Muscular dystrophy-dystroglycanopathy (congenital with impaired intellectual development), type B, 1. Also called: Muscular dystrophy-dystroglycanopathy (congenital with intellectual disability), type B1; MUSCULAR DYSTROPHY, CONGENITAL, POMT1-RELATED. Identifiers: MedGen C5436962, MONDO:0013159, OMIM 613155.
Walker-Warburg congenital muscular dystrophy. Also called: Muscular dystrophy-dystroglycanopathy, type A; Walker-Warburg syndrome. Identifiers: Orphanet 899, MedGen C0265221, MONDO:0000171.

Allele frequency attached by ClinVar (database versions not stated): gnomAD exomes 0.00002; ExAC 0.00002; TOPMed 0.00003; gnomAD 0.00006 and 0.00005; ESP Exome Variant Server 0.00008.
gnomAD v4.1: 45 of 1,614,090 alleles (0.0028%); highest among the groups gnomAD compares: African/African-American, 0.0053%; no homozygotes.

Submissions (2):

Labcorp Genetics (formerly Invitae), Labcorp
Classification: Uncertain significance for Muscular dystrophy-dystroglycanopathy (congenital with impaired intellectual development), type B, 1; Walker-Warburg congenital muscular dystrophy; Autosomal recessive limb-girdle muscular dystrophy type 2K. Last evaluated: 2024-04-22. Review status: criteria provided, single submitter. Criteria: Invitae Variant Classification Sherloc (09022015). Collection method: clinical testing. Allele origin: germline.
Comment: This sequence change replaces alanine, which is neutral and non-polar, with valine, which is neutral and non-polar, at codon 111 of the POMT1 protein (p.Ala111Val). This variant is present in population databases (rs371531181, gnomAD 0.008%). This variant has not been reported in the literature in individuals affected with POMT1-related conditions. ClinVar contains an entry for this variant (Variation ID: 471381). Advanced modeling of protein sequence and biophysical properties (such as structural, functional, and spatial information, amino acid conservation, physicochemical variation, residue mobility, and thermodynamic stability) performed at Invitae indicates that this missense variant is not expected to disrupt POMT1 protein function with a negative predictive value of 80%. In summary, the available evidence is currently insufficient to determine the role of this variant in disease. Therefore, it has been classified as a Variant of Uncertain Significance.

Revvity Omics, Revvity
Classification: Uncertain significance. Last evaluated: 2021-12-13. Review status: criteria provided, single submitter. Criteria: ACMG Guidelines, 2015. Collection method: clinical testing. Allele origin: germline.

NM_001077365.2(POMT1):c.332C>T (p.Ala111Val)

Gene: POMT1 (protein O-mannosyltransferase 1; plus strand). Cytogenetic location: 9q34.13.
Variant type: single nucleotide variant.
Coding change: c.332C>T on transcript NM_001077365.2 (MANE Select); coding-DNA position 332, C replaced by T.
Protein change: p.Ala111Val; replaces alanine 111 with valine.
Molecular consequence: missense variant. On other transcripts: 5 prime UTR variant (5), non-coding transcript variant (9), intron variant (2).
Genome position (GRCh38, 1-based): chr9:131,507,419, C>T. VCF-style: chr9-131507419-C-T. GRCh37 (hg19) VCF-style: chr9-134382806-C-T.
Other names: c.170C>T, p.Ala57Val (NM_001077366.2, NM_001353194.2, NM_001353197.2 and 3 more transcripts); c.332C>T, p.Ala111Val (NM_001136113.2, NM_001353193.2, NM_001374690.1 and 1 more transcripts); c.-20C>T (NM_001136114.2, NM_001353195.2, NM_001353199.2 and 2 more transcripts); c.242C>T, p.Ala81Val (NM_001353196.2); c.-29-1492C>T (NM_001374695.1); c.-30+966C>T (NM_001353200.2); short protein forms A111V, A57V, A81V.
Identifiers: ClinVar variation 471381 (VCV000471381.16), dbSNP rs371531181, ClinGen allele CA5293235.